The following is an entry in ClinVar:

NM_022095.4(ZNF335):c.1431C>T (p.His477=)

Gene: ZNF335 (zinc finger protein 335; minus strand). Cytogenetic location: 20q13.12.
Variant type: single nucleotide variant.
Coding change: c.1431C>T on transcript NM_022095.4 (MANE Select); coding-DNA position 1431, C replaced by T.
Protein change: p.His477=; no amino-acid change (histidine 477 retained).
Molecular consequence: synonymous variant.
Genome position (GRCh38, 1-based): chr20:45,963,575, G>A on the plus strand (C>T on the coding strand, the complement: ZNF335 is on the minus strand). VCF-style: chr20-45963575-G-A. GRCh37 (hg19) VCF-style: chr20-44592214-G-A.
Identifiers: ClinVar variation 3898159 (VCV003898159.7).

ClinVar aggregate classification (germline): Likely benign (1 of 4 stars; one submission).

gnomAD v4.1: 17 of 1,614,108 alleles (0.0011%); highest among the groups gnomAD compares: East Asian, 0.02%; no homozygotes.

Submission:

CeGaT Center for Human Genetics Tuebingen
Classification: Likely benign. Last evaluated: 2026-06-01. Review status: criteria provided, single submitter. Criteria: CeGaT Center For Human Genetics Tuebingen Variant Classification Criteria Version 2. Collection method: clinical testing. Allele origin: germline. Affected: yes. Observed: 2 variant alleles.
Comment: ZNF335: BP4, BP7